The following is an entry in ClinVar:

ClinVar aggregate classification (germline): Uncertain significance (1 of 4 stars; one submission).

Conditions:
DSCAM-related disorder. Also called: DSCAM-related condition.

Allele frequency attached by ClinVar (database versions not stated): gnomAD exomes below 0.00001; TOPMed below 0.00001.
gnomAD v4.1: 1 of 1,613,914 alleles (0.000062%); highest among the groups gnomAD compares: Non-Finnish European, 0.000085%; no homozygotes.

Submission:

PreventionGenetics, part of Exact Sciences
Classification: Uncertain significance for DSCAM-related condition. Last evaluated: 2022-11-10. Review status: criteria provided, single submitter. Criteria: ACMG Guidelines, 2015. Collection method: clinical testing. Allele origin: germline.
Comment: The DSCAM c.3849A>T variant is predicted to result in the amino acid substitution p.Lys1283Asn. To our knowledge, this variant has not been reported in the literature or in a large population database, indicating this variant is rare. At this time, the clinical significance of this variant is uncertain due to the absence of conclusive functional and genetic evidence.

NM_001389.5(DSCAM):c.3849A>T (p.Lys1283Asn)

Gene: DSCAM (DS cell adhesion molecule; minus strand). Cytogenetic location: 21q22.2.
Variant type: single nucleotide variant.
Coding change: c.3849A>T on transcript NM_001389.5 (MANE Select); coding-DNA position 3849, A replaced by T.
Protein change: p.Lys1283Asn; replaces lysine 1283 with asparagine.
Molecular consequence: missense variant. On other transcripts: non-coding transcript variant (1).
Genome position (GRCh38, 1-based): chr21:40,093,722, T>A on the plus strand (A>T on the coding strand, the complement: DSCAM is on the minus strand). VCF-style: chr21-40093722-T-A. GRCh37 (hg19) VCF-style: chr21-41465649-T-A.
Other names: c.3849A>T, p.Lys1283Asn (NM_001271534.3, NM_206887.1); short protein forms K1283N.
Identifiers: ClinVar variation 2635253 (VCV002635253.1), dbSNP rs1475602343, ClinGen allele CA410303838.